The following is an entry in ClinVar:

ClinVar aggregate classification (germline): Benign/Likely benign. Review status: criteria provided, multiple submitters, no conflicts (2 of 4 stars). 5 submissions from 5 submitters: Benign (1); Likely benign (4). Last evaluated 2026-06-03.

Conditions:
Familial thoracic aortic aneurysm and aortic dissection (TAAD). Also called: Thoracic aortic aneurysms and dissections. Identifiers: Orphanet 91387, MedGen C4707243, MONDO:0019625.
Congenital contractural arachnodactyly (CCA). Also called: Arthrogryposis, distal, type 9; BEALS SYNDROME; Beals-Hecht syndrome. Identifiers: Orphanet 115, MedGen C0220668, MONDO:0007363, OMIM 121050.

Allele frequency attached by ClinVar (database versions not stated): ExAC 0.00015; gnomAD 0.00035; TOPMed 0.00043; ESP Exome Variant Server 0.00054; 1000 Genomes Project 30x 0.00078; 1000 Genomes Project 0.00080.
gnomAD v4.1: 152 of 1,539,776 alleles (0.0099%); highest among the groups gnomAD compares: African/African-American, 0.11%; no homozygotes.

Submissions (5):

Women's Health and Genetics/Laboratory Corporation of America, LabCorp
Classification: Benign. Last evaluated: 2026-06-03. Review status: criteria provided, single submitter. Criteria: LabCorp Variant Classification Summary - May 2015. Collection method: clinical testing. Allele origin: germline.
Comment: Variant summary: FBN2 c.6511+4C>T alters a nucleotide located close to a canonical splice site and therefore could affect mRNA splicing, leading to a significantly altered protein sequence. Consensus agreement among computation tools predict no significant impact on normal splicing. However, these predictions have yet to be confirmed by functional studies. The variant allele was found at a frequency of 0.00011 in 249918 control chromosomes, predominantly at a frequency of 0.0012 within the African or African-American subpopulation in the gnomAD database. The observed variant frequency within African or African-American control individuals in the gnomAD database exceeds the estimated maximal expected allele frequency for disease-causing variants in FBN2. To our knowledge, no occurrence of c.6511+4C>T in individuals affected with FBN2-related conditions and no experimental evidence demonstrating its impact on protein function have been reported. ClinVar contains an entry for this variant (Variation ID: 377870). Based on the evidence outlined above, the variant was classified as benign.

Labcorp Genetics (formerly Invitae), Labcorp
Classification: Likely benign for Congenital contractural arachnodactyly. Last evaluated: 2026-02-01. Review status: criteria provided, single submitter. Criteria: Invitae Variant Classification Sherloc (09022015). Collection method: clinical testing. Allele origin: germline.

Blueprint Genetics
Classification: Likely benign. Last evaluated: 2024-10-09. Review status: criteria provided, single submitter. Criteria: ACMG Guidelines, 2015. Collection method: clinical testing. Allele origin: germline.

Ambry Genetics
Classification: Likely benign for Familial thoracic aortic aneurysm and aortic dissection. Last evaluated: 2020-09-28. Review status: criteria provided, single submitter. Criteria: Ambry Variant Classification Scheme 2023. Collection method: clinical testing. Allele origin: germline.

GeneDx
Classification: Likely benign. Last evaluated: 2020-02-10. Review status: criteria provided, single submitter. Criteria: GeneDx Variant Classification Process June 2021. Collection method: clinical testing. Allele origin: germline. Affected: yes.

NM_001999.4(FBN2):c.6511+4C>T

Gene: FBN2 (fibrillin 2; minus strand). Cytogenetic location: 5q23.3.
Variant type: single nucleotide variant.
Coding change: c.6511+4C>T on transcript NM_001999.4 (MANE Select); 4 bases into the intron after coding-DNA position 6511, C replaced by T.
Molecular consequence: intron variant.
Genome position (GRCh38, 1-based): chr5:128,289,878, G>A on the plus strand (C>T on the coding strand, the complement: FBN2 is on the minus strand). VCF-style: chr5-128289878-G-A. GRCh37 (hg19) VCF-style: chr5-127625570-G-A.
Identifiers: ClinVar variation 377870 (VCV000377870.19), dbSNP rs368610241, ClinGen allele CA3394396.